The following is an entry in ClinVar:

NM_020223.4(FAM20C):c.1364-4_1364-3delinsTT

Gene: FAM20C (FAM20C golgi associated secretory pathway kinase; plus strand). Cytogenetic location: 7p22.3.
Variant type: Indel.
Coding change: c.1364-4_1364-3delinsTT on transcript NM_020223.4 (MANE Select); 4 bases into the intron before coding-DNA position 1364 through 3 bases into the intron before coding-DNA position 1364, GC replaced by TT.
Molecular consequence: intron variant.
Genome position (GRCh38, 1-based): chr7:257,001-257,002, GC replaced by TT. VCF-style: chr7-257001-GC-TT. GRCh37 (hg19) VCF-style: chr7-296967-GC-TT.
Identifiers: ClinVar variation 1486094 (VCV001486094.3), dbSNP rs2115173596, ClinGen allele CA2573141910.
Genomic context (GRCh38, chr7:257,001, plus strand): 5'-GAGGCCTCTGAGCTACGTGGCCCGGCTCCCCACGAGCTGTGACACTTTCTGCCTCTCTCC[GC>TT]AGGAAACATGGACCGTCACCACTACGAGACTTTTGAGAAGTTTGGGAATGAAACGTTCAT-3'

ClinVar aggregate classification (germline): Uncertain significance (1 of 4 stars; one submission).

Submission:

Labcorp Genetics (formerly Invitae), Labcorp
Classification: Uncertain significance. Last evaluated: 2021-06-09. Review status: criteria provided, single submitter. Criteria: Invitae Variant Classification Sherloc (09022015). Collection method: clinical testing. Allele origin: germline.
Comment: This sequence change falls in intron 7 of the FAM20C gene. It does not directly change the encoded amino acid sequence of the FAM20C protein. It affects a nucleotide within the consensus splice site of the intron. The frequency data for this variant in the population databases is not available, as this variant may be reported as separate entries in the ExAC database. This variant has not been reported in the literature in individuals with FAM20C-related conditions. Nucleotide substitutions within the consensus splice site are a relatively common cause of aberrant splicing (PMID: 17576681, 9536098). Algorithms developed to predict the effect of sequence changes on RNA splicing suggest that this variant is not likely to affect RNA splicing, but this prediction has not been confirmed by published transcriptional studies. In summary, the available evidence is currently insufficient to determine the role of this variant in disease. Therefore, it has been classified as a Variant of Uncertain Significance.

Literature cited by the submitters: PubMed 17576681; PubMed 9536098.